The following is an entry in ClinVar:

ClinVar aggregate classification (germline): Uncertain significance. Review status: criteria provided, multiple submitters, no conflicts (2 of 4 stars). 2 submissions from 2 submitters: Uncertain significance (2). Last evaluated 2022-08-21.

Conditions:
Inborn genetic diseases. Identifiers: MedGen C0950123, MeSH D030342.

Allele frequency attached by ClinVar (database versions not stated): gnomAD exomes below 0.00001; ExAC 0.00001; TOPMed 0.00001; gnomAD 0.00003; ESP Exome Variant Server 0.00008.

Submissions (2):

Labcorp Genetics (formerly Invitae), Labcorp
Classification: Uncertain significance. Last evaluated: 2022-08-21. Review status: criteria provided, single submitter. Criteria: Invitae Variant Classification Sherloc (09022015). Collection method: clinical testing. Allele origin: germline.
Comment: This sequence change replaces arginine, which is basic and polar, with histidine, which is basic and polar, at codon 54 of the TUBGCP4 protein (p.Arg54His). This variant is present in population databases (rs373443219, gnomAD 0.007%). This variant has not been reported in the literature in individuals affected with TUBGCP4-related conditions. Algorithms developed to predict the effect of missense changes on protein structure and function are either unavailable or do not agree on the potential impact of this missense change (SIFT: "Deleterious"; PolyPhen-2: "Benign"; Align-GVGD: "Class C0"). In summary, the available evidence is currently insufficient to determine the role of this variant in disease. Therefore, it has been classified as a Variant of Uncertain Significance.

Ambry Genetics
Classification: Uncertain significance for Inborn genetic diseases. Last evaluated: 2021-04-09. Review status: criteria provided, single submitter. Criteria: Ambry Variant Classification Scheme 2023. Collection method: clinical testing. Allele origin: germline.

NM_014444.5(TUBGCP4):c.161G>A (p.Arg54His)

Gene: TUBGCP4 (tubulin gamma complex component 4; plus strand). Cytogenetic location: 15q15.3.
Variant type: single nucleotide variant.
Coding change: c.161G>A on transcript NM_014444.5 (MANE Select); coding-DNA position 161, G replaced by A.
Protein change: p.Arg54His; replaces arginine 54 with histidine.
Molecular consequence: missense variant.
Genome position (GRCh38, 1-based): chr15:43,376,180, G>A. VCF-style: chr15-43376180-G-A. GRCh37 (hg19) VCF-style: chr15-43668378-G-A.
Other names: c.161G>A, p.Arg54His (NM_001286414.3); short protein forms R54H.
Identifiers: ClinVar variation 1901870 (VCV001901870.3), dbSNP rs373443219, ClinGen allele CA7523672.